The following is an entry in ClinVar:

ClinVar aggregate classification (germline): Benign/Likely benign. Review status: criteria provided, multiple submitters, no conflicts (2 of 4 stars). 4 submissions from 4 submitters: Benign (1); Likely benign (3). Last evaluated 2026-07-01.

Conditions:
Inosine triphosphatase deficiency. Also called: INOSINE TRIPHOSPHATE PYROPHOSPHOHYDROLASE DEFICIENCY. Identifiers: MedGen C0342800, MONDO:0013461, OMIM 613850.

Submissions (8):

CeGaT Center for Human Genetics Tuebingen
Classification: Likely benign. Last evaluated: 2026-07-01. Review status: criteria provided, single submitter. Criteria: CeGaT Center For Human Genetics Tuebingen Variant Classification Criteria Version 2. Collection method: clinical testing. Allele origin: germline. Affected: yes. Observed: 5 variant alleles.
Comment: ITPA: BP4

Labcorp Genetics (formerly Invitae), Labcorp
Classification: Benign for Inosine triphosphatase deficiency. Last evaluated: 2026-01-26. Review status: criteria provided, single submitter. Criteria: Invitae Variant Classification Sherloc (09022015). Collection method: clinical testing. Allele origin: germline.

ARUP Laboratories, Molecular Genetics and Genomics, ARUP Laboratories
Classification: Likely benign. Last evaluated: 2025-02-12. Review status: criteria provided, single submitter. Criteria: ARUP Molecular Germline Variant Investigation Process 2024. Collection method: clinical testing. Allele origin: germline.

Blueprint Genetics
Classification: Likely benign. Last evaluated: 2024-11-22. Review status: criteria provided, single submitter. Criteria: ACMG Guidelines, 2015. Collection method: clinical testing. Allele origin: germline.

Dr. Peter K. Rogan Lab, Western University
No classification provided (evidence only). Condition: Familial cancer of breast. Review status: no classification provided. Collection method: in vitro. Allele origin: not applicable. Functional consequence: retained intron. Not counted in ClinVar's aggregate classification.

Dr. Peter K. Rogan Lab, Western University
No classification provided (evidence only). Condition: Colon adenocarcinoma. Review status: no classification provided. Collection method: in vitro. Allele origin: not applicable. Functional consequence: skipped exon, retained intron. Not counted in ClinVar's aggregate classification.

Dr. Peter K. Rogan Lab, Western University
No classification provided (evidence only). Condition: Colorectal cancer. Review status: no classification provided. Collection method: in vitro. Allele origin: not applicable. Functional consequence: skipped exon, retained intron. Not counted in ClinVar's aggregate classification.

Dr. Peter K. Rogan Lab, Western University
No classification provided (evidence only). Condition: Gastric cancer. Review status: no classification provided. Collection method: in vitro. Allele origin: not applicable. Functional consequence: retained intron. Not counted in ClinVar's aggregate classification.

NM_033453.4(ITPA):c.264-11_264-8del

Gene: ITPA (inosine triphosphatase; plus strand). Cytogenetic location: 20p13.
Variant type: Microsatellite.
Coding change: c.264-11_264-8del on transcript NM_033453.4 (MANE Select); 11 bases into the intron before coding-DNA position 264 through 8 bases into the intron before coding-DNA position 264, 4 bases deleted (TTCT; older notation c.264-11_264-8delTTCT).
Molecular consequence: intron variant.
Genome position (GRCh38, 1-based): chr20:3,215,270-3,215,273, TTCT deleted; deleting any 4 consecutive bases within chr20:3,215,264-3,215,273 gives the same sequence; the c. name uses the placement nearest the transcript's 3' end. VCF-style (leftmost placement, unchanged base first): chr20-3215263-CCTTT-C. GRCh37 (hg19) VCF-style: chr20-3195909-CCTTT-C.
Other names: NC_000020.10:g.3195916_3195919del; c.-74-11_-74-8del (NM_001324237.2, NM_001324238.2, NM_001324236.2 and 1 more transcripts); c.264-11_264-8del (NM_001324240.2); c.141-11_141-8del (NM_001267623.2); c.213-11_213-8del (NM_181493.4).
Identifiers: ClinVar variation 1170729 (VCV001170729.19), dbSNP rs531698626, ClinGen allele CA9741243.